The following is an entry in ClinVar:

ClinVar aggregate classification (germline): Uncertain significance (1 of 4 stars; one submission).

Conditions:
Cardiovascular phenotype. Identifiers: MedGen CN230736.

gnomAD v4.1: 3 of 1,550,130 alleles (0.00019%); highest among the groups gnomAD compares: East Asian, 0.0024%; no homozygotes.

Submission:

Ambry Genetics
Classification: Uncertain significance for Cardiovascular phenotype. Last evaluated: 2024-07-11. Review status: criteria provided, single submitter. Criteria: Ambry Variant Classification Scheme 2023. Collection method: clinical testing. Allele origin: germline.
Comment: The p.S2780F variant (also known as c.8339C>T), located in coding exon 2 of the ZNF469 gene, results from a C to T substitution at nucleotide position 8339. The serine at codon 2780 is replaced by phenylalanine, an amino acid with highly dissimilar properties. This amino acid position is conserved. In addition, this alteration is predicted to be tolerated by in silico analysis. Based on the available evidence, the clinical significance of this variant remains unclear.

NM_001367624.2(ZNF469):c.8423C>T (p.Ser2808Phe)

Gene: ZNF469 (zinc finger protein 469; plus strand). Cytogenetic location: 16q24.2.
Variant type: single nucleotide variant.
Coding change: c.8423C>T on transcript NM_001367624.2 (MANE Select); coding-DNA position 8423, C replaced by T.
Protein change: p.Ser2808Phe; replaces serine 2808 with phenylalanine.
Molecular consequence: missense variant.
Genome position (GRCh38, 1-based): chr16:88,435,893, C>T. VCF-style: chr16-88435893-C-T. GRCh37 (hg19) VCF-style: chr16-88502301-C-T.
Other names: NM_001127464.1:c.8339C>T; short protein forms S2808F.
Identifiers: ClinVar variation 3476160 (VCV003476160.1).